The following is an entry in ClinVar:

NM_004036.5(ADCY3):c.362T>A (p.Leu121His)

Gene: ADCY3 (adenylate cyclase 3; minus strand). Cytogenetic location: 2p23.3.
Variant type: single nucleotide variant.
Coding change: c.362T>A on transcript NM_004036.5 (MANE Select); coding-DNA position 362, T replaced by A.
Protein change: p.Leu121His; replaces leucine 121 with histidine.
Molecular consequence: missense variant.
Genome position (GRCh38, 1-based): chr2:24,918,626, A>T on the plus strand (T>A on the coding strand, the complement: ADCY3 is on the minus strand). VCF-style: chr2-24918626-A-T. GRCh37 (hg19) VCF-style: chr2-25141495-A-T.
Other names: c.362T>A, p.Leu121His (NM_001320613.2, NM_001377128.1, NM_001377129.1 and 2 more transcripts); short protein forms L121H.
Identifiers: ClinVar variation 3356380 (VCV003356380.1).

ClinVar aggregate classification (germline): Uncertain significance (0 of 4 stars; one submission).

Conditions:
ADCY3-related disorder. Also called: ADCY3-related condition.

gnomAD v4.1: 3 of 1,614,170 alleles (0.00019%); highest among the groups gnomAD compares: Admixed American, 0.005%; no homozygotes.

Submission:

PreventionGenetics, part of Exact Sciences
Classification: Uncertain significance for ADCY3-related condition. Last evaluated: 2024-08-05. Review status: no assertion criteria provided. Collection method: clinical testing. Allele origin: germline.
Comment: The ADCY3 c.362T>A variant is predicted to result in the amino acid substitution p.Leu121His. To our knowledge, this variant has not been reported in the literature. This variant is reported in 0.0087% of alleles in individuals of Latino descent in gnomAD. At this time, the clinical significance of this variant is uncertain due to the absence of conclusive functional and genetic evidence.